The following is an entry in ClinVar:

ClinVar aggregate classification (germline): Pathogenic (1 of 4 stars; one submission).

Conditions:
Walker-Warburg congenital muscular dystrophy. Also called: Muscular dystrophy-dystroglycanopathy, type A; Walker-Warburg syndrome. Identifiers: Orphanet 899, MedGen C0265221, MONDO:0000171.

Submission:

Labcorp Genetics (formerly Invitae), Labcorp
Classification: Pathogenic for Walker-Warburg congenital muscular dystrophy. Last evaluated: 2024-01-16. Review status: criteria provided, single submitter. Criteria: Invitae Variant Classification Sherloc (09022015). Collection method: clinical testing. Allele origin: germline.
Comment: This sequence change creates a premature translational stop signal (p.Asn36Lysfs*16) in the FKTN gene. It is expected to result in an absent or disrupted protein product. Loss-of-function variants in FKTN are known to be pathogenic (PMID: 17044012, 17878207, 18752264). This variant is not present in population databases (gnomAD no frequency). This variant has not been reported in the literature in individuals affected with FKTN-related conditions. Algorithms developed to predict the effect of sequence changes on RNA splicing suggest that this variant may disrupt the consensus splice site. For these reasons, this variant has been classified as Pathogenic.

Literature cited by the submitters: PubMed 17044012; PubMed 17878207; PubMed 18752264.

NM_001079802.2(FKTN):c.107dup (p.Asn36fs)

Gene: FKTN (fukutin; plus strand). Cytogenetic location: 9q31.2.
Variant type: Duplication.
Coding change: c.107dup on transcript NM_001079802.2 (MANE Select); coding-DNA position 107, one base duplicated (A; older notation c.107dupA).
Protein change: p.Asn36fs; shifts the reading frame from asparagine 36.
Molecular consequence: frameshift variant. On other transcripts: 5 prime UTR variant (5), non-coding transcript variant (2).
Genome position (GRCh38, 1-based): chr9:105,596,599, A duplicated; the last of 2 consecutive A bases (chr9:105,596,598-105,596,599); duplicating either gives the same sequence. VCF-style (leftmost placement, unchanged base first): chr9-105596597-G-GA. GRCh37 (hg19) VCF-style: chr9-108358878-G-GA.
Other names: c.107dup, p.Asn36fs (NM_001198963.2, NM_001351496.2, NM_001351498.2 and 1 more transcripts); c.-61dup (NM_001351497.2); c.-408dup (NM_001351499.2, NM_001351500.2, NM_001351501.2 and 1 more transcripts); short protein forms N36fs.
Identifiers: ClinVar variation 2709569 (VCV002709569.3), dbSNP rs2539234389, ClinGen allele CA2697557944.